The following is an entry in ClinVar:

ClinVar aggregate classification (germline): Uncertain significance (1 of 4 stars; one submission).

Submission:

Athena Diagnostics
Classification: Uncertain significance. Last evaluated: 2025-01-13. Review status: criteria provided, single submitter. Criteria: Athena Diagnostics Criteria. Collection method: clinical testing. Allele origin: unknown.
Comment: Available data are insufficient to determine the clinical significance of the variant at this time. This duplication includes the entire coding sequence of the PRRT2 gene. Similar duplications of the PRRT2 gene have not been reported in large, multi-ethnic general populations. Assessment of experimental evidence regarding the effect of this variant on protein function is inconclusive (PMID: 36808153).

Literature cited by the submitters: PubMed 36808153.

Single allele

Gene: PRRT2 (proline rich transmembrane protein 2; plus strand). Cytogenetic location: 16p11.2.
Variant type: Duplication.
Identifiers: ClinVar variation 4682301 (VCV004682301.1).